The following is an entry in ClinVar:

NM_001250.6(CD40):c.676-46C>T

Gene: CD40 (CD40 molecule; plus strand). Cytogenetic location: 20q13.12.
Variant type: single nucleotide variant.
Coding change: c.676-46C>T on transcript NM_001250.6 (MANE Select); 46 bases into the intron before coding-DNA position 676, C replaced by T.
Molecular consequence: intron variant.
Genome position (GRCh38, 1-based): chr20:46,128,836, C>T. VCF-style: chr20-46128836-C-T. GRCh37 (hg19) VCF-style: chr20-44757475-C-T.
Other names: c.*2-46C>T (NM_001302753.2, NM_001362758.2, NM_152854.4); c.688-46C>T (NM_001322421.2); c.520-46C>T (NM_001322422.2).
Identifiers: ClinVar variation 2501318 (VCV002501318.1), dbSNP rs11697349, ClinGen allele CA9888637.

ClinVar aggregate classification (germline): Likely benign (1 of 4 stars; one submission).

Allele frequency attached by ClinVar (database versions not stated): 1000 Genomes Project 30x 0.01015; 1000 Genomes Project 0.01118; TOPMed 0.01892; ExAC 0.01957; gnomAD 0.01979; ESP Exome Variant Server 0.02061; gnomAD exomes 0.02490.
gnomAD v4.1: 39,220 of 1,604,994 alleles (2.4%); highest among the groups gnomAD compares: Non-Finnish European, 2.7%; 575 homozygotes.

Submission:

GeneDx
Classification: Likely benign. Last evaluated: 2019-09-20. Review status: criteria provided, single submitter. Criteria: GeneDx Variant Classification Process June 2021. Collection method: clinical testing. Allele origin: germline. Affected: yes.
Comment: See Variant Classification Assertion Criteria.